The following is an entry in ClinVar:

NM_198525.3(KIF7):c.2079C>A (p.Val693=)

Gene: KIF7 (kinesin family member 7; minus strand). Cytogenetic location: 15q26.1.
Variant type: single nucleotide variant.
Coding change: c.2079C>A on transcript NM_198525.3 (MANE Select); coding-DNA position 2079, C replaced by A.
Protein change: p.Val693=; no amino-acid change (valine 693 retained).
Molecular consequence: synonymous variant.
Genome position (GRCh38, 1-based): chr15:89,645,125, G>T on the plus strand (C>A on the coding strand, the complement: KIF7 is on the minus strand). VCF-style: chr15-89645125-G-T. GRCh37 (hg19) VCF-style: chr15-90188356-G-T.
Identifiers: ClinVar variation 263140 (VCV000263140.31), dbSNP rs113112856, ClinGen allele CA7728334.

ClinVar aggregate classification (germline): Conflicting classifications of pathogenicity. Review status: criteria provided, conflicting classifications (1 of 4 stars). 6 submissions from 6 submitters: Uncertain significance (2); Likely benign (4). Last evaluated 2025-12-15.

Conditions:
Hydrolethalus syndrome 2 (HLS2). Identifiers: Orphanet 2189, MedGen C3279899, MONDO:0013585, OMIM 614120.
Acrocallosal syndrome (ACLS). Also called: HALLUX DUPLICATION, POSTAXIAL POLYDACTYLY, AND ABSENCE OF CORPUS CALLOSUM; Schinzel syndrome 1; Absence of corpus callosum with unusual facial appearance, mental deficiency, duplication of the halluces and polydactyly. Identifiers: Orphanet 36, MedGen C0796147, MONDO:0008708, OMIM 200990.
Multiple epiphyseal dysplasia, Al-Gazali type. Also called: Macrocephaly with multiple epiphyseal dysplasia and distinctive facies. Identifiers: Orphanet 166024, MedGen C1846722, MONDO:0011778, OMIM 607131.

Allele frequency attached by ClinVar (database versions not stated): 1000 Genomes Project 30x 0.00031; TOPMed 0.00033; ESP Exome Variant Server 0.00038; 1000 Genomes Project 0.00040.
gnomAD v4.1: 123 of 1,605,120 alleles (0.0077%); highest among the groups gnomAD compares: African/African-American, 0.11%; 1 homozygote.

Submissions (6):

Labcorp Genetics (formerly Invitae), Labcorp
Classification: Likely benign for Acrocallosal syndrome. Last evaluated: 2025-12-15. Review status: criteria provided, single submitter. Criteria: Invitae Variant Classification Sherloc (09022015). Collection method: clinical testing. Allele origin: germline.

CeGaT Center for Human Genetics Tuebingen
Classification: Likely benign. Last evaluated: 2024-09-01. Review status: criteria provided, single submitter. Criteria: CeGaT Center For Human Genetics Tuebingen Variant Classification Criteria Version 2. Collection method: clinical testing. Allele origin: germline. Affected: yes. Observed: 1 variant allele.
Comment: KIF7: BP4, BP7

Blueprint Genetics
Classification: Likely benign. Last evaluated: 2024-06-24. Review status: criteria provided, single submitter. Criteria: ACMG Guidelines, 2015. Collection method: clinical testing. Allele origin: germline.

Fulgent Genetics
Classification: Uncertain significance for Acrocallosal syndrome; Multiple epiphyseal dysplasia, Al-Gazali type; Hydrolethalus syndrome 2. Last evaluated: 2024-06-10. Review status: criteria provided, single submitter. Criteria: ACMG Guidelines, 2015. Collection method: clinical testing. Allele origin: germline.

GeneDx
Classification: Uncertain significance. Last evaluated: 2023-07-12. Review status: criteria provided, single submitter. Criteria: GeneDx Variant Classification Process June 2021. Collection method: clinical testing. Allele origin: germline. Affected: yes.
Comment: In silico analysis supports that this variant does not alter splicing; Has not been previously published as pathogenic or benign to our knowledge

PreventionGenetics, part of Exact Sciences
Classification: Likely benign. Review status: criteria provided, single submitter. Criteria: ACMG Guidelines, 2015. Collection method: clinical testing. Allele origin: germline.